The following is an entry in ClinVar:

NM_022114.4(PRDM16):c.3134C>T (p.Thr1045Met)

Gene: PRDM16 (PR/SET domain 16; plus strand). Cytogenetic location: 1p36.32.
Variant type: single nucleotide variant.
Coding change: c.3134C>T on transcript NM_022114.4 (MANE Select); coding-DNA position 3134, C replaced by T.
Protein change: p.Thr1045Met; replaces threonine 1045 with methionine.
Molecular consequence: missense variant.
Genome position (GRCh38, 1-based): chr1:3,426,075, C>T. VCF-style: chr1-3426075-C-T. GRCh37 (hg19) VCF-style: chr1-3342639-C-T.
Other names: c.3134C>T, p.Thr1045Met (NM_199454.3); short protein forms T1045M.
Identifiers: ClinVar variation 1315476 (VCV001315476.4), dbSNP rs750822944, ClinGen allele CA544749.
Genomic context (GRCh38, chr1:3,426,075, plus strand): 5'-GAGAGGCCGCCCCCTGATGCTCCCGCCCCTCCGCAGTGAGCCAGCACCCCGGGGTCCTCA[C>T]GAACCACCTGGGGACCAGCGCGTCCTCTCCCACCTCAGAGTCGGACAACCACGCACTTTT-3'
Protein context (NP_071397.3, residues 1035-1055): APVSQHPGVL[Thr1045Met]NHLGTSASSP

ClinVar aggregate classification (germline): Uncertain significance. Review status: criteria provided, multiple submitters, no conflicts (2 of 4 stars). 2 submissions from 2 submitters: Uncertain significance (2). Last evaluated 2024-08-11.

Conditions:
Left ventricular noncompaction 8 (LVNC8). Identifiers: Orphanet 154, Orphanet 54260, MedGen C3809288, MONDO:0014152, OMIM 615373.

Allele frequency attached by ClinVar (database versions not stated): gnomAD 0.00001 and 0.00002; ExAC 0.00002; gnomAD exomes 0.00002.
gnomAD v4.1: 28 of 1,613,600 alleles (0.0017%); highest among the groups gnomAD compares: Admixed American, 0.012%; no homozygotes.

Submissions (2):

Labcorp Genetics (formerly Invitae), Labcorp
Classification: Uncertain significance for Left ventricular noncompaction 8. Last evaluated: 2024-08-11. Review status: criteria provided, single submitter. Criteria: Invitae Variant Classification Sherloc (09022015). Collection method: clinical testing. Allele origin: germline.
Comment: This sequence change replaces threonine, which is neutral and polar, with methionine, which is neutral and non-polar, at codon 1045 of the PRDM16 protein (p.Thr1045Met). This variant is present in population databases (rs750822944, gnomAD 0.006%). This variant has not been reported in the literature in individuals affected with PRDM16-related conditions. ClinVar contains an entry for this variant (Variation ID: 1315476). An algorithm developed to predict the effect of missense changes on protein structure and function (PolyPhen-2) suggests that this variant is likely to be disruptive. In summary, the available evidence is currently insufficient to determine the role of this variant in disease. Therefore, it has been classified as a Variant of Uncertain Significance.

GeneDx
Classification: Uncertain significance. Last evaluated: 2020-02-11. Review status: criteria provided, single submitter. Criteria: GeneDx Variant Classification Process June 2021. Collection method: clinical testing. Allele origin: germline. Affected: yes.
Comment: Has not been previously published as pathogenic or benign to our knowledge; Not observed at a significant frequency in large population cohorts (Lek et al., 2016); In silico analysis supports that this missense variant does not alter protein structure/function